The following is an entry in ClinVar:

NM_015009.3(PDZRN3):c.786T>C (p.Asn262=)

Gene: PDZRN3 (PDZ domain containing ring finger 3; minus strand). Cytogenetic location: 3p13.
Variant type: single nucleotide variant.
Coding change: c.786T>C on transcript NM_015009.3 (MANE Select); coding-DNA position 786, T replaced by C.
Protein change: p.Asn262=; no amino-acid change (asparagine 262 retained).
Molecular consequence: synonymous variant.
Genome position (GRCh38, 1-based): chr3:73,608,622, A>G on the plus strand (T>C on the coding strand, the complement: PDZRN3 is on the minus strand). VCF-style: chr3-73608622-A-G. GRCh37 (hg19) VCF-style: chr3-73657773-A-G.
Identifiers: ClinVar variation 2653970 (VCV002653970.24), dbSNP rs143606237, ClinGen allele CA2494607.

ClinVar aggregate classification (germline): Likely benign (1 of 4 stars; one submission).

Allele frequency attached by ClinVar (database versions not stated): ESP Exome Variant Server 0.00008; ExAC 0.00010; gnomAD 0.00011; gnomAD exomes 0.00013; TOPMed 0.00014.
gnomAD v4.1: 211 of 1,611,902 alleles (0.013%); highest among the groups gnomAD compares: Admixed American, 0.037%; 1 homozygote.

Submission:

CeGaT Center for Human Genetics Tuebingen
Classification: Likely benign. Last evaluated: 2022-10-01. Review status: criteria provided, single submitter. Criteria: CeGaT Center For Human Genetics Tuebingen Variant Classification Criteria Version 2. Collection method: clinical testing. Allele origin: germline. Affected: yes. Observed: 1 variant allele.
Comment: PDZRN3: BP4, BP7